The following is an entry in ClinVar:

NM_001177949.2(SYCP3):c.*183A>G

Genes: SYCP3 (synaptonemal complex protein 3; minus strand), CHPT1 (choline phosphotransferase 1; plus strand). Cytogenetic location: 12q23.2.
Variant type: single nucleotide variant.
Coding change: c.*183A>G on transcript NM_001177949.2 (MANE Select); 183 bases downstream of the stop codon, A replaced by G.
Molecular consequence: 3 prime UTR variant. On other transcripts: intron variant (1).
Genome position (GRCh38, 1-based): chr12:101,728,744, T>C on the plus strand (A>G on the coding strand, the complement: SYCP3 is on the minus strand). VCF-style: chr12-101728744-T-C. GRCh37 (hg19) VCF-style: chr12-102122522-T-C.
Other names: c.*183A>G (NM_001177948.2, NM_153694.5); c.1177-157T>C (NM_020244.3).
Identifiers: ClinVar variation 306761 (VCV000306761.5), dbSNP rs115013475, ClinGen allele CA10631868.
Genomic context (GRCh38, chr12:101,728,744, plus strand): 5'-GAGAGAAAAATTCACTATCATTACTAAAGAGCTGAAAGCTTAATACATATTCTTTAGGAA[T>C]AGTTGCTAACTAACTCATAACTATTTAGATTTGACTTAACAGAAAGGGAGGTCTTACAAT-3'

ClinVar aggregate classification (germline): Benign (1 of 4 stars; one submission).

Conditions:
Spermatogenic failure 4. Also called: AZOOSPERMIA WITH MATURATION ARREST; PREGNANCY LOSS 4. Identifiers: MedGen C0232981, MONDO:0010052, OMIM 270960.

Allele frequency attached by ClinVar (database versions not stated): gnomAD exomes 0.00128; gnomAD 0.01218 and 0.01299; TOPMed 0.01371; 1000 Genomes Project 0.01378; 1000 Genomes Project 30x 0.01405.
gnomAD v4.1: 2,667 of 761,196 alleles (0.35%); highest among the groups gnomAD compares: African/African-American, 4.3%; 51 homozygotes.

Submission:

Illumina Laboratory Services, Illumina
Classification: Benign for Spermatogenic failure 4. Last evaluated: 2018-01-12. Review status: criteria provided, single submitter. Criteria: ICSL Variant Classification Criteria 13 December 2019. Collection method: clinical testing. Allele origin: germline.
Comment: This variant was observed in the ICSL laboratory as part of a predisposition screen in an ostensibly healthy population. It had not been previously curated by ICSL or reported in the Human Gene Mutation Database (HGMD: prior to June 1st, 2018), and was therefore a candidate for classification through an automated scoring system. Utilizing variant allele frequency, disease prevalence and penetrance estimates, and inheritance mode, an automated score was calculated to assess if this variant is too frequent to cause the disease. Based on the score and internal cut-off values, a variant classified as benign is not then subjected to further curation. The score for this variant resulted in a classification of benign for this disease.